The following is an entry in ClinVar:

ClinVar aggregate classification (germline): Conflicting classifications of pathogenicity. Review status: criteria provided, conflicting classifications (1 of 4 stars). 3 submissions from 3 submitters: Uncertain significance (2); Likely benign (1). Last evaluated 2024-06-13.

Conditions:
Charcot-Marie-Tooth disease axonal type 2O. Also called: Charcot-Marie-Tooth disease, axonal, type 20; CHARCOT-MARIE-TOOTH NEUROPATHY, AXONAL, TYPE 2O; CHARCOT-MARIE-TOOTH DISEASE, AXONAL, AUTOSOMAL DOMINANT, TYPE 2O; Charcot-Marie-Tooth Neuropathy Type 2O. Identifiers: Orphanet 284232, MedGen C3280220, MONDO:0013644, OMIM 614228.

Allele frequency attached by ClinVar (database versions not stated): gnomAD exomes 0.00002 and 0.00001; gnomAD 0.00001 and 0.00002; TOPMed 0.00002.
gnomAD v4.1: 18 of 1,613,908 alleles (0.0011%); highest among the groups gnomAD compares: East Asian, 0.0045%; no homozygotes.

Submissions (3):

Labcorp Genetics (formerly Invitae), Labcorp
Classification: Likely benign for Charcot-Marie-Tooth disease axonal type 2O. Last evaluated: 2024-06-13. Review status: criteria provided, single submitter. Criteria: Invitae Variant Classification Sherloc (09022015). Collection method: clinical testing. Allele origin: germline.

GeneDx
Classification: Uncertain significance. Last evaluated: 2020-12-02. Review status: criteria provided, single submitter. Criteria: GeneDx Variant Classification Process June 2021. Collection method: clinical testing. Allele origin: germline. Affected: yes.
Comment: Has not been previously published as pathogenic or benign to our knowledge; In silico analysis, which includes protein predictors and evolutionary conservation, supports that this variant does not alter protein structure/function; In silico analysis, which includes splice predictors and evolutionary conservation, suggests this variant may impact gene splicing. In the absence of RNA/functional studies, the actual effect of this sequence change is unknown; This variant is associated with the following publications: (PMID: 31127727)

Athena Diagnostics
Classification: Uncertain significance. Last evaluated: 2017-07-26. Review status: criteria provided, single submitter. Criteria: Athena Diagnostics Criteria. Collection method: clinical testing. Allele origin: germline.

NM_001376.5(DYNC1H1):c.407G>A (p.Arg136Gln)

Gene: DYNC1H1 (dynein cytoplasmic 1 heavy chain 1; plus strand). Cytogenetic location: 14q32.31.
Variant type: single nucleotide variant.
Coding change: c.407G>A on transcript NM_001376.5 (MANE Select); coding-DNA position 407, G replaced by A.
Protein change: p.Arg136Gln; replaces arginine 136 with glutamine.
Molecular consequence: missense variant.
Genome position (GRCh38, 1-based): chr14:101,979,381, G>A. VCF-style: chr14-101979381-G-A. GRCh37 (hg19) VCF-style: chr14-102445718-G-A.
Other names: short protein forms R136Q.
Identifiers: ClinVar variation 447281 (VCV000447281.11), dbSNP rs996476189, ClinGen allele CA391007450.